The following is an entry in ClinVar:

NM_003900.5(SQSTM1):c.547C>T (p.Arg183Cys)

Gene: SQSTM1 (sequestosome 1; plus strand). Cytogenetic location: 5q35.3.
Variant type: single nucleotide variant.
Coding change: c.547C>T on transcript NM_003900.5 (MANE Select); coding-DNA position 547, C replaced by T.
Protein change: p.Arg183Cys; replaces arginine 183 with cysteine.
Molecular consequence: missense variant.
Genome position (GRCh38, 1-based): chr5:179,824,197, C>T. VCF-style: chr5-179824197-C-T. GRCh37 (hg19) VCF-style: chr5-179251197-C-T.
Other names: p.Arg183Cys; c.295C>T, p.Arg99Cys (NM_001142298.2, NM_001142299.2); short protein forms R99C, R183C.
Identifiers: ClinVar variation 707079 (VCV000707079.18), dbSNP rs567433223, ClinGen allele CA3600562.

ClinVar aggregate classification (germline): Conflicting classifications of pathogenicity. Review status: criteria provided, conflicting classifications (1 of 4 stars). 6 submissions from 6 submitters: Uncertain significance (3); Likely benign (1). 2 of the submissions do not count toward it. Last evaluated 2025-06-22.

Conditions:
Frontotemporal dementia and/or amyotrophic lateral sclerosis 1 (FTDALS1). Also called: Frontotemporal dementia with motor neuron disease 1; C9orf72 Frontotemporal Dementia and/or Amyotrophic Lateral Sclerosis. Identifiers: Orphanet 275872, MedGen C5779877, MONDO:0007105, OMIM 105550.
Paget disease of bone 2, early-onset (PDB2). Also called: Paget disease of bone 2. Identifiers: MedGen C4085251, MONDO:0011183, OMIM 602080.

Allele frequency attached by ClinVar (database versions not stated): gnomAD 0.00002 and 0.00007; TOPMed 0.00003; gnomAD exomes 0.00009 and 0.00017; ExAC 0.00014.
gnomAD v4.1: 137 of 1,613,738 alleles (0.0085%); highest among the groups gnomAD compares: South Asian, 0.12%; 3 homozygotes.

Submissions (6):

Labcorp Genetics (formerly Invitae), Labcorp
Classification: Likely benign for Paget disease of bone 2, early-onset; Frontotemporal dementia and/or amyotrophic lateral sclerosis 1. Last evaluated: 2025-06-22. Review status: criteria provided, single submitter. Criteria: Invitae Variant Classification Sherloc (09022015). Collection method: clinical testing. Allele origin: germline.

Mayo Clinic Laboratories, Mayo Clinic
Classification: Uncertain significance. Last evaluated: 2024-08-19. Review status: criteria provided, single submitter. Criteria: ACMG Guidelines, 2015. Collection method: clinical testing. Allele origin: germline. Observed: 1 variant allele.
Comment: PP3

GeneDx
Classification: Uncertain significance. Last evaluated: 2021-06-30. Review status: criteria provided, single submitter. Criteria: GeneDx Variant Classification Process June 2021. Collection method: clinical testing. Allele origin: germline. Affected: yes.
Comment: Observed in a heterozygous state in two individuals from a frontotemporal lobar degeneration patient cohort in published literature (Miller et al., 2015); In silico analysis supports that this missense variant has a deleterious effect on protein structure/function; This variant is associated with the following publications: (PMID: 27275741, 27535533, 25433461)

Revvity Omics, Revvity
Classification: Uncertain significance. Last evaluated: 2019-07-19. Review status: criteria provided, single submitter. Criteria: ACMG Guidelines, 2015. Collection method: clinical testing. Allele origin: germline.

Clinical Genetics DNA and cytogenetics Diagnostics Lab, Erasmus MC, Erasmus Medical Center
Classification: Uncertain significance. Review status: no assertion criteria provided. Collection method: clinical testing. Allele origin: germline. Affected: yes. Study: VKGL Data-share Consensus. Not counted in ClinVar's aggregate classification.

Joint Genome Diagnostic Labs from Nijmegen and Maastricht, Radboudumc and MUMC+
Classification: Uncertain significance. Review status: no assertion criteria provided. Collection method: clinical testing. Allele origin: germline. Affected: yes. Study: VKGL Data-share Consensus. Not counted in ClinVar's aggregate classification.

Literature cited by the submitters: PubMed 25433461 (cited by Mayo Clinic Laboratories, Mayo Clinic); PubMed 27275741 (cited by Mayo Clinic Laboratories, Mayo Clinic).